The following is an entry in ClinVar:

ClinVar aggregate classification (germline): Uncertain significance (1 of 4 stars; one submission).

gnomAD v4.1: 1 of 1,611,926 alleles (0.000062%); no homozygotes.

Submission:

Labcorp Genetics (formerly Invitae), Labcorp
Classification: Uncertain significance. Last evaluated: 2025-08-21. Review status: criteria provided, single submitter. Criteria: Invitae Variant Classification Sherloc (09022015). Collection method: clinical testing. Allele origin: germline.
Comment: This sequence change replaces glutamic acid, which is acidic and polar, with glycine, which is neutral and non-polar, at codon 1701 of the C2CD3 protein (p.Glu1701Gly). This variant is not present in population databases (gnomAD no frequency). This variant has not been reported in the literature in individuals affected with C2CD3-related conditions. ClinVar contains an entry for this variant (Variation ID: 1346099). Invitae Evidence Modeling of protein sequence and biophysical properties (such as structural, functional, and spatial information, amino acid conservation, physicochemical variation, residue mobility, and thermodynamic stability) indicates that this missense variant is expected to disrupt C2CD3 protein function with a positive predictive value of 80%. In summary, the available evidence is currently insufficient to determine the role of this variant in disease. Therefore, it has been classified as a Variant of Uncertain Significance.

NM_001286577.2(C2CD3):c.5102A>G (p.Glu1701Gly)

Gene: C2CD3 (C2 domain containing 3 centriole elongation regulator; minus strand). Cytogenetic location: 11q13.4.
Variant type: single nucleotide variant.
Coding change: c.5102A>G on transcript NM_001286577.2 (MANE Select); coding-DNA position 5102, A replaced by G.
Protein change: p.Glu1701Gly; replaces glutamic acid 1701 with glycine.
Molecular consequence: missense variant.
Genome position (GRCh38, 1-based): chr11:74,054,660, T>C on the plus strand (A>G on the coding strand, the complement: C2CD3 is on the minus strand). VCF-style: chr11-74054660-T-C. GRCh37 (hg19) VCF-style: chr11-73765705-T-C.
Other names: c.5102A>G, p.Glu1701Gly (NM_015531.6); short protein forms E1701G.
Identifiers: ClinVar variation 1346099 (VCV001346099.6), dbSNP rs2135436222, ClinGen allele CA381829242.